The following is an entry in ClinVar:

NM_003630.3(PEX3):c.870A>G (p.Arg290=)

Gene: PEX3 (peroxisomal biogenesis factor 3; plus strand). Cytogenetic location: 6q24.2.
Variant type: single nucleotide variant.
Coding change: c.870A>G on transcript NM_003630.3 (MANE Select); coding-DNA position 870, A replaced by G.
Protein change: p.Arg290=; no amino-acid change (arginine 290 retained).
Molecular consequence: synonymous variant.
Genome position (GRCh38, 1-based): chr6:143,479,127, A>G. VCF-style: chr6-143479127-A-G. GRCh37 (hg19) VCF-style: chr6-143800264-A-G.
Other names: c.870A>G (NM_003630.2).
Identifiers: ClinVar variation 1118913 (VCV001118913.11), dbSNP rs2128747465, ClinGen allele CA452461991.

ClinVar aggregate classification (germline): Likely benign. Review status: criteria provided, single submitter (1 of 4 stars). 2 submissions from 2 submitters: Likely benign (1). 1 of the submissions does not count toward it. Last evaluated 2021-08-22.

Conditions:
PEX3-related disorder. Also called: PEX3-related condition.

Allele frequency attached by ClinVar (database versions not stated): gnomAD exomes 0.00001.
gnomAD v4.1: 13 of 1,594,136 alleles (0.00082%); highest among the groups gnomAD compares: Non-Finnish European, 0.001%; no homozygotes.

Submissions (2):

Labcorp Genetics (formerly Invitae), Labcorp
Classification: Likely benign. Last evaluated: 2021-08-22. Review status: criteria provided, single submitter. Criteria: Invitae Variant Classification Sherloc (09022015). Collection method: clinical testing. Allele origin: germline.

PreventionGenetics, part of Exact Sciences
Classification: Likely benign for PEX3-related condition. Last evaluated: 2021-12-14. Review status: no assertion criteria provided. Collection method: clinical testing. Allele origin: germline. Not counted in ClinVar's aggregate classification.
Comment: This variant is classified as likely benign based on ACMG/AMP sequence variant interpretation guidelines (Richards et al. 2015 PMID: 25741868, with internal and published modifications).